The following is an entry in ClinVar:

ClinVar aggregate classification (germline): Likely benign. Review status: criteria provided, single submitter (1 of 4 stars). 2 submissions from 2 submitters: Likely benign (1). 1 of the submissions does not count toward it. Last evaluated 2023-06-11.

Conditions:
NAGLU-related disorder. Also called: NAGLU-related condition.
Charcot-Marie-Tooth disease axonal type 2V. Also called: CHARCOT-MARIE-TOOTH NEUROPATHY, TYPE 2V; CHARCOT-MARIE-TOOTH DISEASE, AXONAL, AUTOSOMAL DOMINANT, TYPE 2V. Identifiers: Orphanet 447964, MedGen C5569050, MONDO:0014665, OMIM 616491.
Mucopolysaccharidosis, MPS-III-B (MPS3B). Also called: N-ACETYL-ALPHA-D-GLUCOSAMINIDASE DEFICIENCY; NAGLU DEFICIENCY; SANFILIPPO SYNDROME B; MPS III B; Mucopolysaccharidosis type IIIB (Sanfilippo B); MUCOPOLYSACCHARIDOSIS, TYPE IIIB. Identifiers: Orphanet 79270, MedGen C0086648, MONDO:0009656, OMIM 252920.

Allele frequency attached by ClinVar (database versions not stated): gnomAD exomes below 0.00001; TOPMed below 0.00001.

Submissions (2):

Labcorp Genetics (formerly Invitae), Labcorp
Classification: Likely benign for Charcot-Marie-Tooth disease axonal type 2V; Mucopolysaccharidosis, MPS-III-B. Last evaluated: 2023-06-11. Review status: criteria provided, single submitter. Criteria: Invitae Variant Classification Sherloc (09022015). Collection method: clinical testing. Allele origin: germline.

PreventionGenetics, part of Exact Sciences
Classification: Likely benign for NAGLU-related condition. Last evaluated: 2023-08-01. Review status: no assertion criteria provided. Collection method: clinical testing. Allele origin: germline. Not counted in ClinVar's aggregate classification.
Comment: This variant is classified as likely benign based on ACMG/AMP sequence variant interpretation guidelines (Richards et al. 2015 PMID: 25741868, with internal and published modifications).

NM_000263.4(NAGLU):c.1998G>A (p.Leu666=)

Gene: NAGLU (N-acetyl-alpha-glucosaminidase; plus strand). Cytogenetic location: 17q21.2.
Variant type: single nucleotide variant.
Coding change: c.1998G>A on transcript NM_000263.4 (MANE Select); coding-DNA position 1998, G replaced by A.
Protein change: p.Leu666=; no amino-acid change (leucine 666 retained).
Molecular consequence: synonymous variant.
Genome position (GRCh38, 1-based): chr17:42,544,004, G>A. VCF-style: chr17-42544004-G-A. GRCh37 (hg19) VCF-style: chr17-40696022-G-A.
Other names: c.1998G>A (NM_000263.3).
Identifiers: ClinVar variation 2942844 (VCV002942844.5), dbSNP rs1349207240, ClinGen allele CA500217122.